The following is an entry in ClinVar:

NM_003200.5(TCF3):c.1370G>C (p.Ser457Thr)

Gene: TCF3 (transcription factor 3; minus strand). Cytogenetic location: 19p13.3.
Variant type: single nucleotide variant.
Coding change: c.1370G>C on transcript NM_003200.5 (MANE Select); coding-DNA position 1370, G replaced by C.
Protein change: p.Ser457Thr; replaces serine 457 with threonine.
Molecular consequence: missense variant.
Genome position (GRCh38, 1-based): chr19:1,619,191, C>G on the plus strand (G>C on the coding strand, the complement: TCF3 is on the minus strand). VCF-style: chr19-1619191-C-G. GRCh37 (hg19) VCF-style: chr19-1619190-C-G.
Other names: c.1370G>C, p.Ser457Thr (NM_001136139.4, NM_001351779.2); c.1367G>C, p.Ser456Thr (NM_001351778.2); short protein forms S456T, S457T.
Identifiers: ClinVar variation 2784458 (VCV002784458.3), dbSNP rs1374444210, ClinGen allele CA403052440.

ClinVar aggregate classification (germline): Uncertain significance (1 of 4 stars; one submission).

Submission:

Labcorp Genetics (formerly Invitae), Labcorp
Classification: Uncertain significance. Last evaluated: 2023-07-29. Review status: criteria provided, single submitter. Criteria: Invitae Variant Classification Sherloc (09022015). Collection method: clinical testing. Allele origin: germline.
Comment: This sequence change replaces serine, which is neutral and polar, with threonine, which is neutral and polar, at codon 457 of the TCF3 protein (p.Ser457Thr). This variant is not present in population databases (gnomAD no frequency). This variant has not been reported in the literature in individuals affected with TCF3-related conditions. Advanced modeling of protein sequence and biophysical properties (such as structural, functional, and spatial information, amino acid conservation, physicochemical variation, residue mobility, and thermodynamic stability) performed at Invitae indicates that this missense variant is not expected to disrupt TCF3 protein function. In summary, the available evidence is currently insufficient to determine the role of this variant in disease. Therefore, it has been classified as a Variant of Uncertain Significance.